The following is an entry in ClinVar:

ClinVar aggregate classification (germline): Uncertain significance (1 of 4 stars; one submission).

Conditions:
Progressive sclerosing poliodystrophy (MTDPS4A). Also called: ALPERS PROGRESSIVE INFANTILE POLIODYSTROPHY; NEURONAL DEGENERATION OF CHILDHOOD WITH LIVER DISEASE, PROGRESSIVE; Mitochondrial DNA Depletion Syndrome 4A; Alpers Syndrome; ALPERS DIFFUSE DEGENERATION OF CEREBRAL GRAY MATTER WITH HEPATIC CIRRHOSIS; Alpers-Huttenlocher Syndrome. Identifiers: Orphanet 726, MedGen C0205710, MONDO:0008758, OMIM 203700.

Submission:

Labcorp Genetics (formerly Invitae), Labcorp
Classification: Uncertain significance for Progressive sclerosing poliodystrophy. Last evaluated: 2025-12-02. Review status: criteria provided, single submitter. Criteria: Invitae Variant Classification Sherloc (09022015). Collection method: clinical testing. Allele origin: germline.
Comment: This sequence change replaces glutamine, which is neutral and polar, with proline, which is neutral and non-polar, at codon 1236 of the POLG protein (p.Gln1236Pro). This variant is not present in population databases (gnomAD no frequency). This variant has not been reported in the literature in individuals affected with POLG-related conditions. Invitae Evidence Modeling of protein sequence and biophysical properties (such as structural, functional, and spatial information, amino acid conservation, physicochemical variation, residue mobility, and thermodynamic stability) indicates that this missense variant is not expected to disrupt POLG protein function with a negative predictive value of 95%. In summary, the available evidence is currently insufficient to determine the role of this variant in disease. Therefore, it has been classified as a Variant of Uncertain Significance.

NM_002693.3(POLG):c.3707A>C (p.Gln1236Pro)

Genes: FANCI (FA complementation group I; plus strand), POLG (DNA polymerase gamma, catalytic subunit; minus strand). Cytogenetic location: 15q26.1.
Variant type: single nucleotide variant.
Coding change: c.3707A>C on transcript NM_002693.3 (MANE Select); coding-DNA position 3707, A replaced by C.
Protein change: p.Gln1236Pro; replaces glutamine 1236 with proline.
Molecular consequence: missense variant. On other transcripts: 3 prime UTR variant (4).
Genome position (GRCh38, 1-based): chr15:89,316,764, T>G on the plus strand (A>C on the coding strand, the complement: POLG is on the minus strand). VCF-style: chr15-89316764-T-G. GRCh37 (hg19) VCF-style: chr15-89859995-T-G.
Other names: c.3707A>C, p.Gln1236Pro (NM_001126131.2); c.*305T>G (NM_001113378.2, NM_001376910.1, NM_001376911.1 and 1 more transcripts); short protein forms Q1236P.
Identifiers: ClinVar variation 4802408 (VCV004802408.1).